The following is an entry in ClinVar:

NM_025077.4(TOE1):c.1469G>A (p.Ser490Asn)

Gene: TOE1 (target of EGR1, exonuclease; plus strand). Cytogenetic location: 1p34.1.
Variant type: single nucleotide variant.
Coding change: c.1469G>A on transcript NM_025077.4 (MANE Select); coding-DNA position 1469, G replaced by A.
Protein change: p.Ser490Asn; replaces serine 490 with asparagine.
Molecular consequence: missense variant.
Genome position (GRCh38, 1-based): chr1:45,343,638, G>A. VCF-style: chr1-45343638-G-A. GRCh37 (hg19) VCF-style: chr1-45809310-G-A.
Other names: short protein forms S490N.
Identifiers: ClinVar variation 1687583 (VCV001687583.1), dbSNP rs1647092857, ClinGen allele CA340142179.

ClinVar aggregate classification (germline): Uncertain significance (1 of 4 stars; one submission).

Conditions:
Pontocerebellar hypoplasia type 7. Identifiers: Orphanet 284339, MedGen C3554226, MONDO:0013993, OMIM 614969.

Allele frequency attached by ClinVar (database versions not stated): gnomAD 0.00001.
gnomAD v4.1: 2 of 1,613,758 alleles (0.00012%); highest among the groups gnomAD compares: Non-Finnish European, 0.00017%; no homozygotes.

Submission:

3billion
Classification: Uncertain significance for Pontocerebellar hypoplasia type 7. Last evaluated: 2022-05-22. Review status: criteria provided, single submitter. Criteria: ACMG Guidelines, 2015. Collection method: clinical testing. Allele origin: germline. Affected: yes. Observed: 1 heterozygote.
Comment: The variant is not observed in the gnomAD v2.1.1 dataset. Missense changes are a common disease-causing mechanism. In silico tool predictions suggest no damaging effect of the variant on gene or gene product (REVEL: 0.36; 3Cnet: 0.24). Therefore, this variant is classified as uncertain significanceaccording to the recommendation of ACMG/AMP guideline.